The following is an entry in ClinVar:

NM_001042492.3(NF1):c.6666G>C (p.Thr2222=)

Gene: NF1 (neurofibromin 1; plus strand). Cytogenetic location: 17q11.2.
Variant type: single nucleotide variant.
Coding change: c.6666G>C on transcript NM_001042492.3 (MANE Select); coding-DNA position 6666, G replaced by C.
Protein change: p.Thr2222=; no amino-acid change (threonine 2222 retained).
Molecular consequence: synonymous variant.
Genome position (GRCh38, 1-based): chr17:31,337,842, G>C. VCF-style: chr17-31337842-G-C. GRCh37 (hg19) VCF-style: chr17-29664860-G-C.
Other names: c.6603G>C, p.Thr2201= (NM_000267.4).
Identifiers: ClinVar variation 186677 (VCV000186677.11), dbSNP rs780247942, ClinGen allele CA195539.

ClinVar aggregate classification (germline): Benign/Likely benign. Review status: criteria provided, multiple submitters, no conflicts (2 of 4 stars). 4 submissions from 4 submitters: Benign (1); Likely benign (3). Last evaluated 2026-09-23.

Conditions:
Neurofibromatosis, type 1 (NF1). Also called: VON RECKLINGHAUSEN DISEASE; NEUROFIBROMATOSIS, TYPE I, SOMATIC; Peripheral type neurofibromatosis; Neurofibromatosis, type I. Identifiers: Orphanet 636, MedGen C0027831, MONDO:0018975, OMIM 162200. Disease mechanism: loss of function.
Hereditary cancer-predisposing syndrome. Also called: Neoplastic Syndromes, Hereditary; Tumor predisposition; Hereditary Cancer Syndrome; Hereditary neoplastic syndrome. Identifiers: Orphanet 140162, MedGen C0027672, MeSH D009386, MONDO:0015356.

Submissions (4):

Myriad Genetics, Inc.
Classification: Benign for Neurofibromatosis, type 1. Last evaluated: 2026-09-23. Review status: criteria provided, single submitter. Criteria: Myriad Autosomal Dominant, Autosomal Recessive and X-Linked Classification Criteria (2023). Collection method: clinical testing. Allele origin: unknown.
Comment: This variant is considered benign. This variant is a silent/synonymous amino acid change and it is not expected to impact splicing.

Labcorp Genetics (formerly Invitae), Labcorp
Classification: Likely benign for Neurofibromatosis, type 1. Last evaluated: 2025-03-11. Review status: criteria provided, single submitter. Criteria: Invitae Variant Classification Sherloc (09022015). Collection method: clinical testing. Allele origin: germline.

Genome-Nilou Lab
Classification: Likely benign for Neurofibromatosis, type 1. Last evaluated: 2022-03-15. Review status: criteria provided, single submitter. Criteria: ACMG Guidelines, 2015. Collection method: clinical testing. Allele origin: germline. Affected: no.

Ambry Genetics
Classification: Likely benign for Hereditary cancer-predisposing syndrome. Last evaluated: 2014-10-21. Review status: criteria provided, single submitter. Criteria: Ambry Autosomal Dominant and X-Linked criteria (10/2015). Collection method: clinical testing. Allele origin: germline. Observed: 1 variant allele.